The following is an entry in ClinVar:

NM_000020.3(ACVRL1):c.980C>T (p.Ala327Val)

Gene: ACVRL1 (activin A receptor like type 1; plus strand). Cytogenetic location: 12q13.13.
Variant type: single nucleotide variant.
Coding change: c.980C>T on transcript NM_000020.3 (MANE Select); coding-DNA position 980, C replaced by T.
Protein change: p.Ala327Val; replaces alanine 327 with valine.
Molecular consequence: missense variant.
Genome position (GRCh38, 1-based): chr12:51,915,432, C>T. VCF-style: chr12-51915432-C-T. GRCh37 (hg19) VCF-style: chr12-52309216-C-T.
Other names: c.980C>T, p.Ala327Val (NM_001406488.1, NM_001406489.1, NM_001077401.2 and 1 more transcripts); c.668C>T, p.Ala223Val (NM_001406490.1, NM_001406491.1, NM_001406492.1 and 2 more transcripts); c.416C>T, p.Ala139Val (NM_001406495.1); short protein forms A139V, A223V, A327V.
Identifiers: ClinVar variation 4882781 (VCV004882781.2).
Genomic context (GRCh38, chr12:51,915,432, plus strand): 5'-CATGCGGCCTGGCGCACCTGCACGTGGAGATCTTCGGTACACAGGGCAAACCAGCCATTG[C>T]CCACCGCGACTTCAAGAGCCGCAATGTGCTGGTCAAGAGCAACCTGCAGTGTTGCATCGC-3'
Protein context (NP_000011.2, residues 317-337): IFGTQGKPAI[Ala327Val]HRDFKSRNVL

ClinVar aggregate classification (germline): Uncertain significance (1 of 4 stars; one submission).

gnomAD v4.1: 2 of 1,613,704 alleles (0.00012%); highest among the groups gnomAD compares: Admixed American, 0.0033%; no homozygotes.

Submission:

Dasa
Classification: Uncertain significance. Last evaluated: 2025-01-15. Review status: criteria provided, single submitter. Criteria: DASA Assertion Criteria. Collection method: clinical testing. Allele origin: germline.
Comment: NM_000020.3(ACVRL1):c.980C>T (p.Ala327Val) is a missense variant that results in the substitution of alanine with valine. The affected residue or protein region has prior evidence supporting clinical relevance. This variant is rare in population databases. Computational prediction algorithms are consistent with a deleterious effect. The currently available literature and clinical evidence are not sufficient to establish a definitive association between this variant and the reported condition. Therefore, this variant is classified as a variant of uncertain significance.